The following is an entry in ClinVar:

NM_000059.4(BRCA2):c.4832T>C (p.Val1611Ala)

Gene: BRCA2 (BRCA2 DNA repair associated; plus strand). Cytogenetic location: 13q13.1.
Variant type: single nucleotide variant.
Coding change: c.4832T>C on transcript NM_000059.4 (MANE Select); coding-DNA position 4832, T replaced by C.
Protein change: p.Val1611Ala; replaces valine 1611 with alanine.
Molecular consequence: missense variant.
Genome position (GRCh38, 1-based): chr13:32,339,187, T>C. VCF-style: chr13-32339187-T-C. GRCh37 (hg19) VCF-style: chr13-32913324-T-C.
Other names: short protein forms V1611A.
Identifiers: ClinVar variation 483010 (VCV000483010.8), dbSNP rs1555283950, ClinGen allele CA387783327.

ClinVar aggregate classification (germline): Conflicting classifications of pathogenicity. Review status: criteria provided, conflicting classifications (1 of 4 stars). 3 submissions from 3 submitters: Uncertain significance (2); Likely benign (1). Last evaluated 2025-11-05.

Conditions:
Hereditary cancer-predisposing syndrome. Also called: Neoplastic Syndromes, Hereditary; Tumor predisposition; Hereditary Cancer Syndrome; Hereditary neoplastic syndrome. Identifiers: Orphanet 140162, MedGen C0027672, MeSH D009386, MONDO:0015356.
Hereditary breast ovarian cancer syndrome. Also called: Hereditary breast and ovarian cancer syndrome; Hereditary breast and ovarian cancer; Hereditary breast and ovarian cancer syndrome (HBOC); Breast and ovarian cancer; Hereditary breast and/or ovarian cancer syndrome; BRCA1- and BRCA2-Associated Hereditary Breast and Ovarian Cancer. Identifiers: Orphanet 145, MedGen C0677776, MeSH D061325, MONDO:0003582. Disease mechanism: loss of function.

gnomAD v4.1: 1 of 1,613,764 alleles (0.000062%); no homozygotes.

Submissions (3):

Labcorp Genetics (formerly Invitae), Labcorp
Classification: Uncertain significance for Hereditary breast ovarian cancer syndrome. Last evaluated: 2025-11-05. Review status: criteria provided, single submitter. Criteria: Invitae Variant Classification Sherloc (09022015). Collection method: clinical testing. Allele origin: germline.
Comment: This sequence change replaces valine, which is neutral and non-polar, with alanine, which is neutral and non-polar, at codon 1611 of the BRCA2 protein (p.Val1611Ala). This variant is not present in population databases (gnomAD no frequency). This variant has not been reported in the literature in individuals affected with BRCA2-related conditions. ClinVar contains an entry for this variant (Variation ID: 483010). Invitae Evidence Modeling of protein sequence and biophysical properties (such as structural, functional, and spatial information, amino acid conservation, physicochemical variation, residue mobility, and thermodynamic stability) indicates that this missense variant is not expected to disrupt BRCA2 protein function with a negative predictive value of 95%. In summary, the available evidence is currently insufficient to determine the role of this variant in disease. Therefore, it has been classified as a Variant of Uncertain Significance.

University of Washington Department of Laboratory Medicine, University of Washington
Classification: Likely benign for Hereditary cancer-predisposing syndrome. Last evaluated: 2023-03-23. Review status: criteria provided, single submitter. Criteria: Dines et al. (Genet Med. 2020). Collection method: curation. Allele origin: germline.
Comment: Missense variant in a coldspot region where missense variants are very unlikely to be pathogenic (PMID:31911673).

BRCA2 exon 11 coldspot. Reclassification based on statistical prior probability.

Ambry Genetics
Classification: Uncertain significance for Hereditary cancer-predisposing syndrome. Last evaluated: 2018-09-13. Review status: criteria provided, single submitter. Criteria: Ambry Variant Classification Scheme 2023. Collection method: clinical testing. Allele origin: germline.
Comment: The p.V1611A variant (also known as c.4832T>C), located in coding exon 10 of the BRCA2 gene, results from a T to C substitution at nucleotide position 4832. The valine at codon 1611 is replaced by alanine, an amino acid with similar properties. This amino acid position is poorly conserved in available vertebrate species. In addition, this alteration is predicted to be benign and tolerated by PolyPhen and SIFT in silico analyses, respectively. Since supporting evidence is limited at this time, the clinical significance of this alteration remains unclear.